The following is an entry in ClinVar:

NM_183235.3(RAB27A):c.431A>G (p.Lys144Arg)

Gene: RAB27A (RAB27A, member RAS oncogene family; minus strand). Cytogenetic location: 15q21.3.
Variant type: single nucleotide variant.
Coding change: c.431A>G on transcript NM_183235.3 (MANE Select); coding-DNA position 431, A replaced by G.
Protein change: p.Lys144Arg; replaces lysine 144 with arginine.
Molecular consequence: missense variant.
Genome position (GRCh38, 1-based): chr15:55,223,925, T>C on the plus strand (A>G on the coding strand, the complement: RAB27A is on the minus strand). VCF-style: chr15-55223925-T-C. GRCh37 (hg19) VCF-style: chr15-55516123-T-C.
Other names: c.431A>G, p.Lys144Arg (NM_004580.5, NM_183234.3, NM_183236.3); short protein forms K144R.
Identifiers: ClinVar variation 2751128 (VCV002751128.3), dbSNP rs2542747109, ClinGen allele CA392529600.

ClinVar aggregate classification (germline): Uncertain significance (1 of 4 stars; one submission).

Conditions:
Griscelli syndrome type 2 (GS2). Also called: GRISCELLI SYNDROME WITH HEMOPHAGOCYTIC SYNDROME; PAID SYNDROME; PARTIAL ALBINISM AND IMMUNODEFICIENCY SYNDROME. Identifiers: Orphanet 381, Orphanet 79477, MedGen C1868679, MONDO:0011872, OMIM 607624.

Allele frequency attached by ClinVar (database versions not stated): gnomAD exomes below 0.00001.
gnomAD v4.1: 1 of 1,613,976 alleles (0.000062%); highest among the groups gnomAD compares: Non-Finnish European, 0.000085%; no homozygotes.

Submission:

Labcorp Genetics (formerly Invitae), Labcorp
Classification: Uncertain significance for Griscelli syndrome type 2. Last evaluated: 2023-08-07. Review status: criteria provided, single submitter. Criteria: Invitae Variant Classification Sherloc (09022015). Collection method: clinical testing. Allele origin: germline.
Comment: This sequence change replaces lysine, which is basic and polar, with arginine, which is basic and polar, at codon 144 of the RAB27A protein (p.Lys144Arg). In summary, the available evidence is currently insufficient to determine the role of this variant in disease. Therefore, it has been classified as a Variant of Uncertain Significance. Advanced modeling of protein sequence and biophysical properties (such as structural, functional, and spatial information, amino acid conservation, physicochemical variation, residue mobility, and thermodynamic stability) performed at Invitae indicates that this missense variant is not expected to disrupt RAB27A protein function. This variant has not been reported in the literature in individuals affected with RAB27A-related conditions. This variant is not present in population databases (gnomAD no frequency).